The following is an entry in ClinVar:

ClinVar aggregate classification (germline): Pathogenic (1 of 4 stars; one submission).

Conditions:
Charcot-Marie-Tooth disease axonal type 2Z. Also called: CHARCOT-MARIE-TOOTH DISEASE, AXONAL, AUTOSOMAL DOMINANT, TYPE 2Z; CHARCOT-MARIE-TOOTH NEUROPATHY, TYPE 2Z. Identifiers: Orphanet 466768, MedGen C5569025, MONDO:0014736, OMIM 616688.

gnomAD v4.1: 1 of 1,609,714 alleles (0.000062%); highest among the groups gnomAD compares: Non-Finnish European, 0.000085%; no homozygotes.

Submission:

Labcorp Genetics (formerly Invitae), Labcorp
Classification: Pathogenic for Charcot-Marie-Tooth disease axonal type 2Z. Last evaluated: 2023-03-13. Review status: criteria provided, single submitter. Criteria: Invitae Variant Classification Sherloc (09022015). Collection method: clinical testing. Allele origin: germline.
Comment: For these reasons, this variant has been classified as Pathogenic. This variant disrupts the p.Arg132 amino acid residue in MORC2. Other variant(s) that disrupt this residue have been determined to be pathogenic (PMID: 31618753, 32693025). This suggests that this residue is clinically significant, and that variants that disrupt this residue are likely to be disease-causing. Advanced modeling of protein sequence and biophysical properties (such as structural, functional, and spatial information, amino acid conservation, physicochemical variation, residue mobility, and thermodynamic stability) performed at Invitae indicates that this missense variant is expected to disrupt MORC2 protein function. ClinVar contains an entry for this variant (Variation ID: 662781). This missense change has been observed in individuals with clinical features of Charcot-Marie-Tooth disease (PMID: 27105897). This variant is not present in population databases (gnomAD no frequency). This sequence change replaces arginine, which is basic and polar, with leucine, which is neutral and non-polar, at codon 132 of the MORC2 protein (p.Arg132Leu).

Literature cited by the submitters: PubMed 31618753; PubMed 32693025; PubMed 27105897.

NM_001303256.3(MORC2):c.395G>T (p.Arg132Leu)

Gene: MORC2 (MORC family CW-type zinc finger 2; minus strand). Cytogenetic location: 22q12.2.
Variant type: single nucleotide variant.
Coding change: c.395G>T on transcript NM_001303256.3 (MANE Select); coding-DNA position 395, G replaced by T.
Protein change: p.Arg132Leu; replaces arginine 132 with leucine.
Molecular consequence: missense variant.
Genome position (GRCh38, 1-based): chr22:30,946,372, C>A on the plus strand (G>T on the coding strand, the complement: MORC2 is on the minus strand). VCF-style: chr22-30946372-C-A. GRCh37 (hg19) VCF-style: chr22-31342359-C-A.
Other names: c.395G>T, p.Arg132Leu (NM_001303257.2); c.209G>T, p.Arg70Leu (NM_014941.3); short protein forms R132L, R70L.
Identifiers: ClinVar variation 662781 (VCV000662781.9), dbSNP rs1602496057, ClinGen allele CA411244763.